The following is an entry in ClinVar:

ClinVar aggregate classification (germline): Uncertain significance (1 of 4 stars; one submission).

Allele frequency attached by ClinVar (database versions not stated): ExAC 0.00001; gnomAD exomes 0.00001; TOPMed 0.00001.
gnomAD v4.1: 12 of 1,613,006 alleles (0.00074%); highest among the groups gnomAD compares: Non-Finnish European, 0.00093%; no homozygotes.

Submission:

Labcorp Genetics (formerly Invitae), Labcorp
Classification: Uncertain significance. Last evaluated: 2024-07-01. Review status: criteria provided, single submitter. Criteria: Invitae Variant Classification Sherloc (09022015). Collection method: clinical testing. Allele origin: germline.
Comment: This sequence change replaces tyrosine, which is neutral and polar, with cysteine, which is neutral and slightly polar, at codon 132 of the TGFB1 protein (p.Tyr132Cys). This variant is present in population databases (rs200481365, gnomAD 0.003%). This variant has not been reported in the literature in individuals affected with TGFB1-related conditions. ClinVar contains an entry for this variant (Variation ID: 1021413). Advanced modeling of protein sequence and biophysical properties (such as structural, functional, and spatial information, amino acid conservation, physicochemical variation, residue mobility, and thermodynamic stability) performed at Invitae indicates that this missense variant is not expected to disrupt TGFB1 protein function with a negative predictive value of 80%. In summary, the available evidence is currently insufficient to determine the role of this variant in disease. Therefore, it has been classified as a Variant of Uncertain Significance.

NM_000660.7(TGFB1):c.395A>G (p.Tyr132Cys)

Gene: TGFB1 (transforming growth factor beta 1; minus strand). Cytogenetic location: 19q13.2.
Variant type: single nucleotide variant.
Coding change: c.395A>G on transcript NM_000660.7 (MANE Select); coding-DNA position 395, A replaced by G.
Protein change: p.Tyr132Cys; replaces tyrosine 132 with cysteine.
Molecular consequence: missense variant.
Genome position (GRCh38, 1-based): chr19:41,348,416, T>C on the plus strand (A>G on the coding strand, the complement: TGFB1 is on the minus strand). VCF-style: chr19-41348416-T-C. GRCh37 (hg19) VCF-style: chr19-41854321-T-C.
Other names: short protein forms Y132C.
Identifiers: ClinVar variation 1021413 (VCV001021413.8), dbSNP rs200481365, ClinGen allele CA9460104.